The following is an entry in ClinVar:

NM_022124.6(CDH23):c.5647A>C (p.Asn1883His)

Gene: CDH23 (cadherin related 23; plus strand). Cytogenetic location: 10q22.1.
Variant type: single nucleotide variant.
Coding change: c.5647A>C on transcript NM_022124.6 (MANE Select); coding-DNA position 5647, A replaced by C.
Protein change: p.Asn1883His; replaces asparagine 1883 with histidine.
Molecular consequence: missense variant.
Genome position (GRCh38, 1-based): chr10:71,785,035, A>C. VCF-style: chr10-71785035-A-C. GRCh37 (hg19) VCF-style: chr10-73544792-A-C.
Other names: short protein forms N1883H.
Identifiers: ClinVar variation 282746 (VCV000282746.22), dbSNP rs747488431, ClinGen allele CA5545825.

ClinVar aggregate classification (germline): Uncertain significance. Review status: criteria provided, multiple submitters, no conflicts (2 of 4 stars). 9 submissions from 8 submitters: Uncertain significance (7). 2 of the submissions do not count toward it. Last evaluated 2024-10-23.

Conditions:
Optic atrophy. Identifiers: MedGen C0029124, MONDO:0003608, HP:0000648.
Usher syndrome type 1 (USH1). Also called: RETINITIS PIGMENTOSA AND CONGENITAL DEAFNESS. Identifiers: Orphanet 231169, Orphanet 886, MedGen C1568247, MONDO:0010168, OMIM 276900.
Autosomal recessive nonsyndromic hearing loss 12. Also called: DEAFNESS, AUTOSOMAL RECESSIVE 12. Identifiers: Orphanet 90636, MedGen C1832394, MONDO:0011067, OMIM 601386.
Usher syndrome type 1D (USH1D). Also called: USHER SYNDROME, TYPE ID. Identifiers: Orphanet 231169, Orphanet 886, MedGen C1832845, MONDO:0010984, OMIM 601067.

Allele frequency attached by ClinVar (database versions not stated): gnomAD exomes 0.00012; TOPMed 0.00014; ExAC 0.00017; gnomAD 0.00021 and 0.00023.
gnomAD v4.1: 512 of 1,613,962 alleles (0.032%); highest among the groups gnomAD compares: Non-Finnish European, 0.042%; 1 homozygote.

Submissions (9):

Blueprint Genetics
Classification: Uncertain significance. Last evaluated: 2024-10-23. Review status: criteria provided, single submitter. Criteria: ACMG Guidelines, 2015. Collection method: clinical testing. Allele origin: germline.

GeneDx
Classification: Uncertain significance. Last evaluated: 2023-01-30. Review status: criteria provided, single submitter. Criteria: GeneDx Variant Classification Process June 2021. Collection method: clinical testing. Allele origin: germline. Affected: yes.
Comment: In silico analysis supports that this missense variant has a deleterious effect on protein structure/function; Has not been previously published as pathogenic or benign to our knowledge

Labcorp Genetics (formerly Invitae), Labcorp
Classification: Uncertain significance. Last evaluated: 2022-10-13. Review status: criteria provided, single submitter. Criteria: Invitae Variant Classification Sherloc (09022015). Collection method: clinical testing. Allele origin: germline.
Comment: This sequence change replaces asparagine, which is neutral and polar, with histidine, which is basic and polar, at codon 1883 of the CDH23 protein (p.Asn1883His). This variant is present in population databases (rs747488431, gnomAD 0.03%). This variant has not been reported in the literature in individuals affected with CDH23-related conditions. ClinVar contains an entry for this variant (Variation ID: 282746). Advanced modeling of protein sequence and biophysical properties (such as structural, functional, and spatial information, amino acid conservation, physicochemical variation, residue mobility, and thermodynamic stability) has been performed at Invitae for this missense variant, however the output from this modeling did not meet the statistical confidence thresholds required to predict the impact of this variant on CDH23 protein function. In summary, the available evidence is currently insufficient to determine the role of this variant in disease. Therefore, it has been classified as a Variant of Uncertain Significance.

Illumina Laboratory Services, Illumina
Classification: Uncertain significance for Usher syndrome type 1D. Last evaluated: 2018-01-12. Review status: criteria provided, single submitter. Criteria: ICSL Variant Classification Criteria 13 December 2019. Collection method: clinical testing. Allele origin: germline.

Illumina Laboratory Services, Illumina
Classification: Uncertain significance for Autosomal recessive nonsyndromic hearing loss 12. Last evaluated: 2018-01-12. Review status: criteria provided, single submitter. Criteria: ICSL Variant Classification Criteria 13 December 2019. Collection method: clinical testing. Allele origin: germline.

Laboratory for Molecular Medicine, Mass General Brigham Personalized Medicine
Classification: Uncertain significance. Last evaluated: 2016-05-13. Review status: criteria provided, single submitter. Criteria: LMM Criteria. Collection method: clinical testing. Allele origin: germline. Observed: 1 variant allele.
Comment: The p.Asn1883His variant in CDH23 has not been previously reported in individual s with hearing loss or Usher syndrome but has been identified in 18/66692 Europe an chromosomes by the Exome Aggregation Consortium (ExAC; dbSNP rs747488431); however, this frequency is not high enough to rule out pathogenicity. Computational prediction tools and conservation analyses sug gest that this variant may impact the protein, though this information is not pr edictive enough to determine pathogenicity. In summary, the clinical significanc e of this variant is uncertain.

Eurofins Ntd Llc (ga)
Classification: Uncertain significance. Last evaluated: 2015-09-14. Review status: criteria provided, single submitter. Criteria: EGL Classification Definitions 2015. Collection method: clinical testing. Allele origin: germline. Observed: 1 variant allele, 1 heterozygote.

Institute of Human Genetics, Univ. Regensburg, Univ. Regensburg
Classification: Uncertain significance for Optic atrophy. Last evaluated: 2023-01-01. Review status: no assertion criteria provided. Criteria: ACMG Guidelines, 2015. Collection method: clinical testing. Allele origin: germline. Affected: yes. Not counted in ClinVar's aggregate classification.

Natera, Inc.
Classification: Uncertain significance for Usher syndrome type 1. Last evaluated: 2020-09-16. Review status: no assertion criteria provided. Collection method: clinical testing. Allele origin: germline. Not counted in ClinVar's aggregate classification.